The following is an entry in ClinVar:

NM_022114.4(PRDM16):c.1170G>A (p.Thr390=)

Gene: PRDM16 (PR/SET domain 16; plus strand). Cytogenetic location: 1p36.32.
Variant type: single nucleotide variant.
Coding change: c.1170G>A on transcript NM_022114.4 (MANE Select); coding-DNA position 1170, G replaced by A.
Protein change: p.Thr390=; no amino-acid change (threonine 390 retained).
Molecular consequence: synonymous variant.
Genome position (GRCh38, 1-based): chr1:3,405,632, G>A. VCF-style: chr1-3405632-G-A. GRCh37 (hg19) VCF-style: chr1-3322196-G-A.
Other names: c.1170G>A, p.Thr390= (NM_199454.3).
Identifiers: ClinVar variation 1651226 (VCV001651226.32), dbSNP rs374263452, ClinGen allele CA544110.

ClinVar aggregate classification (germline): Likely benign. Review status: criteria provided, multiple submitters, no conflicts (2 of 4 stars). 2 submissions from 2 submitters: Likely benign (2). Last evaluated 2024-12-23.

Conditions:
Left ventricular noncompaction 8 (LVNC8). Identifiers: Orphanet 154, Orphanet 54260, MedGen C3809288, MONDO:0014152, OMIM 615373.

Allele frequency attached by ClinVar (database versions not stated): gnomAD exomes 0.00001 and 0.00003; gnomAD 0.00002 and 0.00003; TOPMed 0.00002; ExAC 0.00004; ESP Exome Variant Server 0.00008.
gnomAD v4.1: 21 of 1,597,266 alleles (0.0013%); highest among the groups gnomAD compares: African/African-American, 0.0041%; no homozygotes.

Submissions (2):

Labcorp Genetics (formerly Invitae), Labcorp
Classification: Likely benign for Left ventricular noncompaction 8. Last evaluated: 2024-12-23. Review status: criteria provided, single submitter. Criteria: Invitae Variant Classification Sherloc (09022015). Collection method: clinical testing. Allele origin: germline.

CeGaT Center for Human Genetics Tuebingen
Classification: Likely benign. Last evaluated: 2022-07-01. Review status: criteria provided, single submitter. Criteria: CeGaT Center For Human Genetics Tuebingen Variant Classification Criteria Version 2. Collection method: clinical testing. Allele origin: germline. Affected: yes. Observed: 1 variant allele.
Comment: PRDM16: BP4, BP7